The following is an entry in ClinVar:

ClinVar aggregate classification (germline): Benign/Likely benign. Review status: criteria provided, multiple submitters, no conflicts (2 of 4 stars). 2 submissions from 2 submitters: Benign (1); Likely benign (1). Last evaluated 2026-08-06.

Conditions:
UNC80-related disorder. Also called: UNC80-related condition.

Allele frequency attached by ClinVar (database versions not stated): TOPMed 0.00014; 1000 Genomes Project 30x 0.00016; 1000 Genomes Project 0.00020; gnomAD exomes 0.00004; gnomAD 0.00010.
gnomAD v4.1: 71 of 1,551,664 alleles (0.0046%); highest among the groups gnomAD compares: East Asian, 0.17%; no homozygotes.

Submissions (2):

PreventionGenetics, part of Exact Sciences
Classification: Likely benign for UNC80-related condition. Last evaluated: 2026-08-06. Review status: criteria provided, single submitter. Criteria: ACMG Guidelines, 2015. Collection method: clinical testing. Allele origin: germline.
Comment: This variant is classified as likely benign based on ACMG/AMP sequence variant interpretation guidelines (Richards et al. 2015 PMID: 25741868, with internal and published modifications).

Labcorp Genetics (formerly Invitae), Labcorp
Classification: Benign. Last evaluated: 2025-12-13. Review status: criteria provided, single submitter. Criteria: Invitae Variant Classification Sherloc (09022015). Collection method: clinical testing. Allele origin: germline.

NM_001371986.1(UNC80):c.7935G>A (p.Arg2645=)

Gene: UNC80 (unc-80 subunit of NALCN channel complex; plus strand). Cytogenetic location: 2q34.
Variant type: single nucleotide variant.
Coding change: c.7935G>A on transcript NM_001371986.1 (MANE Select); coding-DNA position 7935, G replaced by A.
Protein change: p.Arg2645=; no amino-acid change (arginine 2645 retained).
Molecular consequence: synonymous variant.
Genome position (GRCh38, 1-based): chr2:209,967,566, G>A. VCF-style: chr2-209967566-G-A. GRCh37 (hg19) VCF-style: chr2-210832290-G-A.
Other names: c.7737G>A (NM_032504.1); c.7737G>A, p.Arg2579= (NM_032504.2); c.7722G>A, p.Arg2574= (NM_182587.4).
Identifiers: ClinVar variation 2080751 (VCV002080751.5), dbSNP rs181782253, ClinGen allele CA65045233.
Genomic context (GRCh38, chr2:209,967,566, plus strand): 5'-GCTTCGGCGCTACATCATGGAGATGCTACCCATTACTGACTGGACAGCTGAGGCAGTGAG[G>A]CCGGCCCTCATCCTCATTTTAAAAAGATTGGATAGAATGTTCAACAAAATTCATAAGATG-3'
Protein context (NP_001358915.1, residues 2635-2655): PITDWTAEAV[Arg2645=]PALILILKRL